The following is an entry in ClinVar:

NM_138694.4(PKHD1):c.11044T>C (p.Ser3682Pro)

Gene: PKHD1 (PKHD1 ciliary IPT domain containing fibrocystin/polyductin; minus strand). Cytogenetic location: 6p12.3.
Variant type: single nucleotide variant.
Coding change: c.11044T>C on transcript NM_138694.4 (MANE Select); coding-DNA position 11044, T replaced by C.
Protein change: p.Ser3682Pro; replaces serine 3682 with proline.
Molecular consequence: missense variant.
Genome position (GRCh38, 1-based): chr6:51,659,082, A>G on the plus strand (T>C on the coding strand, the complement: PKHD1 is on the minus strand). VCF-style: chr6-51659082-A-G. GRCh37 (hg19) VCF-style: chr6-51523880-A-G.
Other names: c.11044T>C (NM_138694.3); short protein forms S3682P.
Identifiers: ClinVar variation 2143425 (VCV002143425.2), dbSNP rs1772372149, ClinGen allele CA364430346.

ClinVar aggregate classification (germline): Uncertain significance. Review status: criteria provided, multiple submitters, no conflicts (2 of 4 stars). 2 submissions from 2 submitters: Uncertain significance (2). Last evaluated 2025-12-30.

Conditions:
Autosomal recessive polycystic kidney disease (ARPKD). Also called: AR polycystic kidney disease. Identifiers: Orphanet 731, Orphanet 8378, MedGen C0085548, MeSH D017044, MONDO:0009889.
Inborn genetic diseases. Identifiers: MedGen C0950123, MeSH D030342.

Allele frequency attached by ClinVar (database versions not stated): TOPMed below 0.00001; gnomAD 0.00001.
gnomAD v4.1: 1 of 1,613,692 alleles (0.000062%); highest among the groups gnomAD compares: Admixed American, 0.0017%; no homozygotes.

Submissions (2):

Ambry Genetics
Classification: Uncertain significance for Inborn genetic diseases. Last evaluated: 2025-12-30. Review status: criteria provided, single submitter. Criteria: Ambry Variant Classification Scheme 2023. Collection method: clinical testing. Allele origin: germline.

Labcorp Genetics (formerly Invitae), Labcorp
Classification: Uncertain significance for Autosomal recessive polycystic kidney disease. Last evaluated: 2022-05-01. Review status: criteria provided, single submitter. Criteria: Invitae Variant Classification Sherloc (09022015). Collection method: clinical testing. Allele origin: germline.
Comment: This sequence change replaces serine, which is neutral and polar, with proline, which is neutral and non-polar, at codon 3682 of the PKHD1 protein (p.Ser3682Pro). This variant is not present in population databases (gnomAD no frequency). This variant has not been reported in the literature in individuals affected with PKHD1-related conditions. Advanced modeling of protein sequence and biophysical properties (such as structural, functional, and spatial information, amino acid conservation, physicochemical variation, residue mobility, and thermodynamic stability) performed at Invitae indicates that this missense variant is not expected to disrupt PKHD1 protein function. In summary, the available evidence is currently insufficient to determine the role of this variant in disease. Therefore, it has been classified as a Variant of Uncertain Significance.